The following is an entry in ClinVar:

ClinVar aggregate classification (germline): Uncertain significance. Review status: criteria provided, multiple submitters, no conflicts (2 of 4 stars). 2 submissions from 2 submitters: Uncertain significance (2). Last evaluated 2026-04-11.

Conditions:
Inborn genetic diseases. Identifiers: MedGen C0950123, MeSH D030342.

gnomAD v4.1: 56 of 1,613,992 alleles (0.0035%); highest among the groups gnomAD compares: South Asian, 0.06%; no homozygotes.

Submissions (2):

GeneDx
Classification: Uncertain significance. Last evaluated: 2026-04-11. Review status: criteria provided, single submitter. Criteria: GeneDx Variant Classification Process June 2021. Collection method: clinical testing. Allele origin: germline.
Comment: In silico analysis suggests that this missense variant does not alter protein structure/function; Has not been previously published as pathogenic or benign to our knowledge

Ambry Genetics
Classification: Uncertain significance for Inborn genetic diseases. Last evaluated: 2025-03-20. Review status: criteria provided, single submitter. Criteria: Ambry Variant Classification Scheme 2023. Collection method: clinical testing. Allele origin: germline.

NM_004667.6(HERC2):c.10255C>T (p.Pro3419Ser)

Gene: HERC2 (HECT and RLD domain containing E3 ubiquitin protein ligase 2; minus strand). Cytogenetic location: 15q13.1.
Variant type: single nucleotide variant.
Coding change: c.10255C>T on transcript NM_004667.6 (MANE Select); coding-DNA position 10255, C replaced by T.
Protein change: p.Pro3419Ser; replaces proline 3419 with serine.
Molecular consequence: missense variant.
Genome position (GRCh38, 1-based): chr15:28,168,565, G>A on the plus strand (C>T on the coding strand, the complement: HERC2 is on the minus strand). VCF-style: chr15-28168565-G-A. GRCh37 (hg19) VCF-style: chr15-28413711-G-A.
Other names: c.10255C>T (NM_004667.5); short protein forms P3419S.
Identifiers: ClinVar variation 4034744 (VCV004034744.2).
Genomic context (GRCh38, chr15:28,168,565, plus strand): 5'-CGTCGGAAGGGGCCGCCGAGGAGAACGAGGGGCACTCCACCGGGGCGATCATGGCGGCCG[G>A]CATCAGGGCCCCGACAACAGCATCTCTGTCAGGACACAAAGCCAGGCCTGTGGTGAGCTG-3'
Protein context (NP_004658.3, residues 3409-3429): ARDAVVGALM[Pro3419Ser]AAMIAPVECP